The following is an entry in ClinVar:

ClinVar aggregate classification (germline): Conflicting classifications of pathogenicity. Review status: criteria provided, conflicting classifications (1 of 4 stars). 2 submissions from 2 submitters: Likely pathogenic (1); Uncertain significance (1). Last evaluated 2024-08-06.

Conditions:
Dilated cardiomyopathy 1G (CMD1G). Identifiers: Orphanet 154, MedGen C1858763, MONDO:0011400, OMIM 604145.
Autosomal recessive limb-girdle muscular dystrophy type 2J (LGMDR10). Also called: MUSCULAR DYSTROPHY, LIMB-GIRDLE, AUTOSOMAL RECESSIVE 10; Limb-girdle muscular dystrophy, type 2J. Identifiers: Orphanet 140922, MedGen C1837342, MONDO:0012127, OMIM 608807.

Submissions (2):

Labcorp Genetics (formerly Invitae), Labcorp
Classification: Likely pathogenic for Dilated cardiomyopathy 1G; Autosomal recessive limb-girdle muscular dystrophy type 2J. Last evaluated: 2024-08-06. Review status: criteria provided, single submitter. Criteria: Invitae Variant Classification Sherloc (09022015). Collection method: clinical testing. Allele origin: germline.
Comment: This sequence change creates a premature translational stop signal (p.Cys6271*) in the TTN gene. While this is not anticipated to result in nonsense mediated decay, it is expected to create a truncated TTN protein. This variant is not present in population databases (gnomAD no frequency). This variant has not been reported in the literature in individuals affected with TTN-related conditions. ClinVar contains an entry for this variant (Variation ID: 2437698). Algorithms developed to predict the effect of sequence changes on RNA splicing suggest that this variant may disrupt the consensus splice site. This variant is located in the I band of TTN (PMID: 25589632). Truncating variants in this region have been reported in individuals affected with autosomal recessive centronuclear myopathy (PMID: 23975875, Invitae internal data). Truncating variants in this region have also been identified in individuals affected with autosomal dominant dilated cardiomyopathy and/or cardio-related conditions (PMID: 27869827, 32964742, Invitae internal data). In summary, the currently available evidence indicates that the variant is pathogenic, but additional data are needed to prove that conclusively. Therefore, this variant has been classified as Likely Pathogenic.

Revvity Omics, Revvity
Classification: Uncertain significance. Last evaluated: 2020-09-24. Review status: criteria provided, single submitter. Criteria: ACMG Guidelines, 2015. Collection method: clinical testing. Allele origin: germline.

Literature cited by the submitters: PubMed 25589632 (cited by Labcorp Genetics (formerly Invitae), Labcorp); PubMed 23975875 (cited by Labcorp Genetics (formerly Invitae), Labcorp); PubMed 27869827 (cited by Labcorp Genetics (formerly Invitae), Labcorp); PubMed 32964742 (cited by Labcorp Genetics (formerly Invitae), Labcorp).

NM_001267550.2(TTN):c.18813C>A (p.Cys6271Ter)

Genes: TTN (titin; minus strand), LOC126806430 (BRD4-independent group 4 enhancer GRCh37_chr2:179593794-179594993; plus strand). Cytogenetic location: 2q31.2.
Variant type: single nucleotide variant.
Coding change: c.18813C>A on transcript NM_001267550.2 (MANE Select); coding-DNA position 18813, C replaced by A.
Protein change: p.Cys6271Ter; replaces cysteine 6271 with a stop codon.
Molecular consequence: nonsense. On other transcripts: intron variant (3).
Genome position (GRCh38, 1-based): chr2:178,729,343, G>T on the plus strand (C>A on the coding strand, the complement: TTN is on the minus strand). VCF-style: chr2-178729343-G-T. GRCh37 (hg19) VCF-style: chr2-179594070-G-T.
Other names: c.17862C>A, p.Cys5954Ter (NM_001256850.1); c.15081C>A, p.Cys5027Ter (NM_133378.4); c.13282+8739C>A (NM_003319.4); c.13858+8739C>A (NM_133437.4); c.13657+8739C>A (NM_133432.3); short protein forms C5027*, C5954*, C6271*.
Identifiers: ClinVar variation 2437698 (VCV002437698.5), dbSNP rs1440628720, ClinGen allele CA349559599.